The following is an entry in ClinVar:

ClinVar aggregate classification (germline): Uncertain significance. Review status: criteria provided, multiple submitters, no conflicts (2 of 4 stars). 2 submissions from 2 submitters: Uncertain significance (2). Last evaluated 2025-12-04.

Conditions:
EGFR-related lung cancer (EGFR). Identifiers: MedGen CN130014.
Hereditary cancer-predisposing syndrome. Also called: Neoplastic Syndromes, Hereditary; Hereditary neoplastic syndrome; Tumor predisposition; Hereditary Cancer Syndrome. Identifiers: Orphanet 140162, MedGen C0027672, MeSH D009386, MONDO:0015356.

Submissions (2):

Ambry Genetics
Classification: Uncertain significance for Hereditary cancer-predisposing syndrome. Last evaluated: 2025-12-04. Review status: criteria provided, single submitter. Criteria: Ambry Variant Classification Scheme 2023. Collection method: clinical testing. Allele origin: germline.
Comment: The p.M1002I variant (also known as c.3006G>A), located in coding exon 25 of the EGFR gene, results from a G to A substitution at nucleotide position 3006. The methionine at codon 1002 is replaced by isoleucine, an amino acid with highly similar properties. This amino acid position is well conserved in available vertebrate species. In addition, this alteration is predicted to be tolerated by in silico analysis. Based on the available evidence, the clinical significance of this variant remains unclear.

Labcorp Genetics (formerly Invitae), Labcorp
Classification: Uncertain significance for EGFR-related lung cancer. Last evaluated: 2024-10-01. Review status: criteria provided, single submitter. Criteria: Invitae Variant Classification Sherloc (09022015). Collection method: clinical testing. Allele origin: germline.
Comment: This sequence change replaces methionine, which is neutral and non-polar, with isoleucine, which is neutral and non-polar, at codon 1002 of the EGFR protein (p.Met1002Ile). This variant is not present in population databases (gnomAD no frequency). This variant has not been reported in the literature in individuals affected with EGFR-related conditions. Invitae Evidence Modeling of protein sequence and biophysical properties (such as structural, functional, and spatial information, amino acid conservation, physicochemical variation, residue mobility, and thermodynamic stability) indicates that this missense variant is not expected to disrupt EGFR protein function with a negative predictive value of 80%. Algorithms developed to predict the effect of sequence changes on RNA splicing suggest that this variant may create or strengthen a splice site. In summary, the available evidence is currently insufficient to determine the role of this variant in disease. Therefore, it has been classified as a Variant of Uncertain Significance.

NM_005228.5(EGFR):c.3006G>A (p.Met1002Ile)

Gene: EGFR (epidermal growth factor receptor; plus strand). Cytogenetic location: 7p11.2.
Variant type: single nucleotide variant.
Coding change: c.3006G>A on transcript NM_005228.5 (MANE Select); coding-DNA position 3006, G replaced by A.
Protein change: p.Met1002Ile; replaces methionine 1002 with isoleucine.
Molecular consequence: missense variant.
Genome position (GRCh38, 1-based): chr7:55,201,247, G>A. VCF-style: chr7-55201247-G-A. GRCh37 (hg19) VCF-style: chr7-55268940-G-A.
Other names: c.2871G>A, p.Met957Ile (NM_001346897.2, NM_001346899.2); c.3006G>A, p.Met1002Ile (NM_001346898.2); c.2847G>A, p.Met949Ile (NM_001346900.2); c.2205G>A, p.Met735Ile (NM_001346941.2); short protein forms M1002I, M949I, M735I, M957I.
Identifiers: ClinVar variation 2886805 (VCV002886805.4), dbSNP rs2128971582, ClinGen allele CA367582458.